The following is an entry in ClinVar:

ClinVar aggregate classification (germline): Uncertain significance (1 of 4 stars; one submission).

Submission:

GeneDx
Classification: Uncertain significance. Last evaluated: 2022-03-22. Review status: criteria provided, single submitter. Criteria: GeneDx Variant Classification Process June 2021. Collection method: clinical testing. Allele origin: germline. Affected: yes.
Comment: Not observed at significant frequency in large population cohorts (gnomAD); In silico analysis supports that this missense variant does not alter protein structure/function; Has not been previously published as pathogenic or benign to our knowledge

NM_014271.4(IL1RAPL1):c.1628A>G (p.Lys543Arg)

Gene: IL1RAPL1 (interleukin 1 receptor accessory protein like 1; plus strand). Cytogenetic location: Xp21.2.
Variant type: single nucleotide variant.
Coding change: c.1628A>G on transcript NM_014271.4 (MANE Select); coding-DNA position 1628, A replaced by G.
Protein change: p.Lys543Arg; replaces lysine 543 with arginine.
Molecular consequence: missense variant.
Genome position (GRCh38, 1-based): chrX:29,955,357, A>G. VCF-style: chrX-29955357-A-G. GRCh37 (hg19) VCF-style: chrX-29973474-A-G.
Other names: short protein forms K543R.
Identifiers: ClinVar variation 1676403 (VCV001676403.2), dbSNP rs2147259065, ClinGen allele CA412634671.